The following is an entry in ClinVar:

NM_000263.4(NAGLU):c.1980C>A (p.Asn660Lys)

Gene: NAGLU (N-acetyl-alpha-glucosaminidase; plus strand). Cytogenetic location: 17q21.2.
Variant type: single nucleotide variant.
Coding change: c.1980C>A on transcript NM_000263.4 (MANE Select); coding-DNA position 1980, C replaced by A.
Protein change: p.Asn660Lys; replaces asparagine 660 with lysine.
Molecular consequence: missense variant.
Genome position (GRCh38, 1-based): chr17:42,543,986, C>A. VCF-style: chr17-42543986-C-A. GRCh37 (hg19) VCF-style: chr17-40696004-C-A.
Other names: short protein forms N660K.
Identifiers: ClinVar variation 1049880 (VCV001049880.1), dbSNP rs981984204, ClinGen allele CA399605724.

ClinVar aggregate classification (germline): Uncertain significance (0 of 4 stars; one submission).

gnomAD v4.1: 8 of 1,610,938 alleles (0.0005%); highest among the groups gnomAD compares: Non-Finnish European, 0.00068%; no homozygotes.

Submission:

Department of Pathology and Laboratory Medicine, Sinai Health System
Classification: Uncertain significance. Review status: no assertion criteria provided. Collection method: clinical testing. Allele origin: unknown. Affected: yes. Study: The Canadian Open Genetics Repository (COGR).
Comment: The NAGLU p.Asn660Lys variant was not identified in the literature nor was it identified in dbSNP, ClinVar or in the following control databases: the 1000 Genomes Project, the NHLBI GO Exome Sequencing Project, or the Genome Aggregation Database (March 6, 2019, v2.1.1). The p.Asn660 residue is conserved in mammals and computational analyses (PolyPhen-2, SIFT, AlignGVGD, BLOSUM, MutationTaster) provide inconsistent predictions regarding the impact to the protein; this information is not very predictive of pathogenicity. The variant occurs outside of the splicing consensus sequence and in silico or computational prediction software programs (SpliceSiteFinder, MaxEntScan, NNSPLICE, GeneSplicer) do not predict a difference in splicing. In summary, based on the above information the clinical significance of this variant cannot be determined with certainty at this time. This variant is classified as a variant of uncertain significance.